The following is an entry in ClinVar:

NM_000440.3(PDE6A):c.287T>A (p.Leu96Gln)

Gene: PDE6A (phosphodiesterase 6A; minus strand). Cytogenetic location: 5q32.
Variant type: single nucleotide variant.
Coding change: c.287T>A on transcript NM_000440.3 (MANE Select); coding-DNA position 287, T replaced by A.
Protein change: p.Leu96Gln; replaces leucine 96 with glutamine.
Molecular consequence: missense variant.
Genome position (GRCh38, 1-based): chr5:149,944,387, A>T on the plus strand (T>A on the coding strand, the complement: PDE6A is on the minus strand). VCF-style: chr5-149944387-A-T. GRCh37 (hg19) VCF-style: chr5-149323950-A-T.
Other names: short protein forms L96Q.
Identifiers: ClinVar variation 1521876 (VCV001521876.8), dbSNP rs2113673388, ClinGen allele CA361700506.

ClinVar aggregate classification (germline): Uncertain significance (1 of 4 stars; one submission).

Allele frequency attached by ClinVar (database versions not stated): gnomAD exomes 0.00001.
gnomAD v4.1: 12 of 1,614,162 alleles (0.00074%); highest among the groups gnomAD compares: Non-Finnish European, 0.001%; no homozygotes.

Submission:

Labcorp Genetics (formerly Invitae), Labcorp
Classification: Uncertain significance. Last evaluated: 2022-07-19. Review status: criteria provided, single submitter. Criteria: Invitae Variant Classification Sherloc (09022015). Collection method: clinical testing. Allele origin: germline.
Comment: This variant has not been reported in the literature in individuals affected with PDE6A-related conditions. In summary, the available evidence is currently insufficient to determine the role of this variant in disease. Therefore, it has been classified as a Variant of Uncertain Significance. Algorithms developed to predict the effect of missense changes on protein structure and function are either unavailable or do not agree on the potential impact of this missense change (SIFT: "Deleterious"; PolyPhen-2: "Probably Damaging"; Align-GVGD: "Class C0"). ClinVar contains an entry for this variant (Variation ID: 1521876). This variant is not present in population databases (gnomAD no frequency). This sequence change replaces leucine, which is neutral and non-polar, with glutamine, which is neutral and polar, at codon 96 of the PDE6A protein (p.Leu96Gln).